The following is an entry in ClinVar:

ClinVar aggregate classification (germline): Pathogenic. Review status: criteria provided, multiple submitters, no conflicts (2 of 4 stars). 2 submissions from 2 submitters: Pathogenic (2). Last evaluated 2025-06-26.

Conditions:
SIN3A-related intellectual disability syndrome due to a point mutation. Also called: 15q24 Microdeletion Syndrome; WITTEVEEN-KOLK SYNDROME. Identifiers: Orphanet 500166, Orphanet 94065, MedGen C4310804, MONDO:0044700, OMIM 613406.

Submissions (2):

Laboratory of Dr. Barbara Vona, University Medical Center Göttingen
Classification: Pathogenic for SIN3A-related intellectual disability syndrome due to a point mutation. Last evaluated: 2025-06-26. Review status: criteria provided, single submitter. Criteria: ACMG Guidelines, 2015. Collection method: clinical testing. Allele origin: germline. Affected: yes.

Center of Excellence of Human Genetics, National Research Center
Classification: Pathogenic for SIN3A-related intellectual disability syndrome due to a point mutation. Review status: criteria provided, single submitter. Criteria: ACMG Guidelines, 2015. Collection method: clinical testing. Allele origin: germline. Inheritance: Autosomal dominant inheritance. Affected: yes.
Comment: The variant c.3418C>T in SIN3A results in a premature termination codon at amino acid position 1140 (p.Arg1140Ter), predicting truncation of the encoded protein. This is a nonsense variant that alters the coding sequence of SIN3A and is expected to produce a shortened SIN3A protein lacking the C‑terminal portion beyond residue 1140. According to available annotation, the c.3418C>T p.Arg1140Ter variant in SIN3A is a stop gained variant impacting exon 20 of SIN3A, with a CADD score of 39.0. The variant meets the criteria to be classified as pathogenic.

Literature cited by the submitters: PubMed 39576496 (cited by Center of Excellence of Human Genetics, National Research Center).

NM_001145358.2(SIN3A):c.3418C>T (p.Arg1140Ter)

Gene: SIN3A (SIN3 transcription regulator family member A; minus strand). Cytogenetic location: 15q24.2.
Variant type: single nucleotide variant.
Coding change: c.3418C>T on transcript NM_001145358.2 (MANE Select); coding-DNA position 3418, C replaced by T.
Protein change: p.Arg1140Ter; replaces arginine 1140 with a stop codon.
Molecular consequence: nonsense.
Genome position (GRCh38, 1-based): chr15:75,375,838, G>A on the plus strand (C>T on the coding strand, the complement: SIN3A is on the minus strand). VCF-style: chr15-75375838-G-A. GRCh37 (hg19) VCF-style: chr15-75668179-G-A.
Other names: c.3418C>T (NM_001145358.1); c.3418C>T, p.Arg1140Ter (NM_001145357.2, NM_015477.3); short protein forms R1140*.
Identifiers: ClinVar variation 4071009 (VCV004071009.2).
Genomic context (GRCh38, chr15:75,375,838, plus strand): 5'-CCACATTCTCCATGGTCTTCTTGCTGTTTCCTTCCTTCCCTTCCTTTTCCTGCTGCTCTC[G>A]ACCACGTTGACACTTCCGGATCCGCCGTAGATTCCTATTGCAGAAAAGCCCCGGAGGATG-3'